The following is an entry in ClinVar:

NM_003900.5(SQSTM1):c.936G>A (p.Arg312=)

Gene: SQSTM1 (sequestosome 1; plus strand). Cytogenetic location: 5q35.3.
Variant type: single nucleotide variant.
Coding change: c.936G>A on transcript NM_003900.5 (MANE Select); coding-DNA position 936, G replaced by A.
Protein change: p.Arg312=; no amino-acid change (arginine 312 retained).
Molecular consequence: synonymous variant.
Genome position (GRCh38, 1-based): chr5:179,833,213, G>A. VCF-style: chr5-179833213-G-A. GRCh37 (hg19) VCF-style: chr5-179260213-G-A.
Other names: p.Arg312=; c.684G>A, p.Arg228= (NM_001142298.2, NM_001142299.2).
Identifiers: ClinVar variation 259191 (VCV000259191.30), dbSNP rs4797, ClinGen allele CA3600734.

ClinVar aggregate classification (germline): Benign. Review status: criteria provided, multiple submitters, no conflicts (2 of 4 stars). 16 submissions from 13 submitters: Benign (12). 4 of the submissions do not count toward it. Last evaluated 2026-02-04.

Conditions:
Paget disease of bone 3. Identifiers: MedGen C4085252, MONDO:0008176, OMIM 167250.
Frontotemporal dementia and/or amyotrophic lateral sclerosis 3. Also called: FTDALS3. Identifiers: Orphanet 275864, Orphanet 275872, Orphanet 803, MedGen C4225326, MONDO:0014640, OMIM 616437.
Myopathy, distal, with rimmed vacuoles (DMRV). Also called: MULTISYSTEM PROTEINOPATHY 4. Identifiers: MedGen C5399975, MONDO:0014945, OMIM 617158.
Neurodegeneration with ataxia, dystonia, and gaze palsy, childhood-onset (NADGP). Identifiers: MedGen C4310693, MONDO:0014940, OMIM 617145.
Paget disease of bone 2, early-onset (PDB2). Also called: Paget disease of bone 2. Identifiers: MedGen C4085251, MONDO:0011183, OMIM 602080.
Frontotemporal dementia and/or amyotrophic lateral sclerosis 1 (FTDALS1). Also called: C9orf72 Frontotemporal Dementia and/or Amyotrophic Lateral Sclerosis; Frontotemporal dementia with motor neuron disease 1. Identifiers: Orphanet 275872, MedGen C5779877, MONDO:0007105, OMIM 105550.

Allele frequency attached by ClinVar (database versions not stated): ESP Exome Variant Server 0.49846; gnomAD 0.53290 and 0.53960; TOPMed 0.53812; gnomAD exomes 0.54444 and 0.59920; 1000 Genomes Project 30x 0.58526; 1000 Genomes Project 0.58726; ExAC 0.61145.
gnomAD v4.1: 874,781 of 1,607,140 alleles (54%); highest among the groups gnomAD compares: East Asian, 80%; 242,261 homozygotes.

Submissions (16):

Labcorp Genetics (formerly Invitae), Labcorp
Classification: Benign for Paget disease of bone 2, early-onset; Frontotemporal dementia and/or amyotrophic lateral sclerosis 1. Last evaluated: 2026-02-04. Review status: criteria provided, single submitter. Criteria: Invitae Variant Classification Sherloc (09022015). Collection method: clinical testing. Allele origin: germline.

Blueprint Genetics
Classification: Benign. Last evaluated: 2024-11-26. Review status: criteria provided, single submitter. Criteria: ACMG Guidelines, 2015. Collection method: clinical testing. Allele origin: germline.

Genome-Nilou Lab
Classification: Benign for Frontotemporal dementia and/or amyotrophic lateral sclerosis 3. Last evaluated: 2021-07-15. Review status: criteria provided, single submitter. Criteria: ACMG Guidelines, 2015. Collection method: clinical testing. Allele origin: germline. Affected: no.

Genome-Nilou Lab
Classification: Benign for Myopathy, distal, with rimmed vacuoles. Last evaluated: 2021-07-15. Review status: criteria provided, single submitter. Criteria: ACMG Guidelines, 2015. Collection method: clinical testing. Allele origin: germline. Affected: no.

Genome-Nilou Lab
Classification: Benign for Neurodegeneration with ataxia, dystonia, and gaze palsy, childhood-onset. Last evaluated: 2021-07-15. Review status: criteria provided, single submitter. Criteria: ACMG Guidelines, 2015. Collection method: clinical testing. Allele origin: germline. Affected: no.

Genome-Nilou Lab
Classification: Benign for Paget disease of bone 3. Last evaluated: 2021-07-15. Review status: criteria provided, single submitter. Criteria: ACMG Guidelines, 2015. Collection method: clinical testing. Allele origin: germline. Affected: no.

GeneDx
Classification: Benign. Last evaluated: 2018-07-03. Review status: criteria provided, single submitter. Criteria: GeneDx Variant Classification Process June 2021. Collection method: clinical testing. Allele origin: germline. Affected: yes.

Illumina Laboratory Services, Illumina
Classification: Benign for Paget disease of bone 3. Last evaluated: 2018-01-13. Review status: criteria provided, single submitter. Criteria: ICSL Variant Classification Criteria 13 December 2019. Collection method: clinical testing. Allele origin: germline.
Comment: This variant was observed in the ICSL laboratory as part of a predisposition screen in an ostensibly healthy population. It had not been previously curated by ICSL or reported in the Human Gene Mutation Database (HGMD: prior to June 1st, 2018), and was therefore a candidate for classification through an automated scoring system. Utilizing variant allele frequency, disease prevalence and penetrance estimates, and inheritance mode, an automated score was calculated to assess if this variant is too frequent to cause the disease. Based on the score and internal cut-off values, a variant classified as benign is not then subjected to further curation. The score for this variant resulted in a classification of benign for this disease.

Athena Diagnostics
Classification: Benign. Last evaluated: 2017-11-17. Review status: criteria provided, single submitter. Criteria: Athena Diagnostics Criteria. Collection method: clinical testing. Allele origin: germline.

Mayo Clinic Laboratories, Mayo Clinic
Classification: Benign. Last evaluated: 2017-07-21. Review status: criteria provided, single submitter. Criteria: ACMG Guidelines, 2015. Collection method: clinical testing. Allele origin: germline. Observed: 2,058 variant alleles.

Clinical Genetics DNA and cytogenetics Diagnostics Lab, Erasmus MC, Erasmus Medical Center
Classification: Benign for Paget disease of bone 2, early-onset. Last evaluated: 2015-09-21. Review status: criteria provided, single submitter. Criteria: ACGS Guidelines, 2013. Collection method: clinical testing. Allele origin: germline. Affected: yes. Study: VKGL Data-share Consensus.

PreventionGenetics, part of Exact Sciences
Classification: Benign. Review status: criteria provided, single submitter. Criteria: ACMG Guidelines, 2015. Collection method: clinical testing. Allele origin: germline.

Genome Diagnostics Laboratory, Amsterdam University Medical Center
Classification: Benign for Paget disease of bone 2, early-onset. Last evaluated: 2016-04-22. Review status: no assertion criteria provided. Criteria: ACGS Guidelines, 2013. Collection method: clinical testing. Allele origin: germline. Affected: yes. Study: VKGL Data-share Consensus. Not counted in ClinVar's aggregate classification.

Clinical Genetics, Academic Medical Center
Classification: Benign. Review status: no assertion criteria provided. Collection method: clinical testing. Allele origin: germline. Affected: yes. Study: VKGL Data-share Consensus. Not counted in ClinVar's aggregate classification.

Diagnostic Laboratory, Department of Genetics, University Medical Center Groningen
Classification: Benign for Paget disease of bone 2, early-onset. Review status: no assertion criteria provided. Collection method: clinical testing. Allele origin: germline. Affected: yes. Study: VKGL Data-share Consensus. Not counted in ClinVar's aggregate classification.

Joint Genome Diagnostic Labs from Nijmegen and Maastricht, Radboudumc and MUMC+
Classification: Benign. Review status: no assertion criteria provided. Collection method: clinical testing. Allele origin: germline. Affected: yes. Study: VKGL Data-share Consensus. Not counted in ClinVar's aggregate classification.